The following is an entry in ClinVar:

ClinVar aggregate classification (germline): Uncertain significance (1 of 4 stars; one submission).

Conditions:
Cortical dysplasia-focal epilepsy syndrome (PTHSL1). Also called: Pitt-Hopkins-like syndrome 1. Identifiers: Orphanet 163681, Orphanet 221150, MedGen C2750246, MONDO:0012400, OMIM 610042.

Allele frequency attached by ClinVar (database versions not stated): gnomAD exomes below 0.00001; ExAC 0.00001.
gnomAD v4.1: 1 of 1,613,748 alleles (0.000062%); highest among the groups gnomAD compares: Non-Finnish European, 0.000085%; no homozygotes.

Submission:

Labcorp Genetics (formerly Invitae), Labcorp
Classification: Uncertain significance for Cortical dysplasia-focal epilepsy syndrome. Last evaluated: 2019-09-24. Review status: criteria provided, single submitter. Criteria: Invitae Variant Classification Sherloc (09022015). Collection method: clinical testing. Allele origin: germline.
Comment: In summary, the available evidence is currently insufficient to determine the role of this variant in disease. Therefore, it has been classified as a Variant of Uncertain Significance. Algorithms developed to predict the effect of missense changes on protein structure and function are either unavailable or do not agree on the potential impact of this missense change (SIFT: "Deleterious"; PolyPhen-2: "Benign"; Align-GVGD: "Class C0"). This variant has not been reported in the literature in individuals with CNTNAP2-related conditions. This variant is present in population databases (rs760122387, ExAC 0.002%). This sequence change replaces phenylalanine with isoleucine at codon 497 of the CNTNAP2 protein (p.Phe497Ile). The phenylalanine residue is weakly conserved and there is a small physicochemical difference between phenylalanine and isoleucine.

NM_014141.6(CNTNAP2):c.1489T>A (p.Phe497Ile)

Gene: CNTNAP2 (contactin associated protein 2; plus strand). Cytogenetic location: 7q35.
Variant type: single nucleotide variant.
Coding change: c.1489T>A on transcript NM_014141.6 (MANE Select); coding-DNA position 1489, T replaced by A.
Protein change: p.Phe497Ile; replaces phenylalanine 497 with isoleucine.
Molecular consequence: missense variant.
Genome position (GRCh38, 1-based): chr7:147,300,281, T>A. VCF-style: chr7-147300281-T-A. GRCh37 (hg19) VCF-style: chr7-146997373-T-A.
Other names: short protein forms F497I.
Identifiers: ClinVar variation 957279 (VCV000957279.10), dbSNP rs760122387, ClinGen allele CA4546070.